The following is an entry in ClinVar:

NM_001376.5(DYNC1H1):c.2869-1G>A

Gene: DYNC1H1 (dynein cytoplasmic 1 heavy chain 1; plus strand). Cytogenetic location: 14q32.31.
Variant type: single nucleotide variant.
Coding change: c.2869-1G>A on transcript NM_001376.5 (MANE Select); the canonical splice acceptor site of the intron before coding-DNA position 2869, G replaced by A.
Molecular consequence: splice acceptor variant.
Genome position (GRCh38, 1-based): chr14:101,991,526, G>A. VCF-style: chr14-101991526-G-A. GRCh37 (hg19) VCF-style: chr14-102457863-G-A.
Identifiers: ClinVar variation 2635576 (VCV002635576.1), dbSNP rs2503708109, ClinGen allele CA391030098.

ClinVar aggregate classification (germline): Uncertain significance (1 of 4 stars; one submission).

Conditions:
DYNC1H1-related disorder. Also called: DYNC1H1-related condition; DYNC1H1-related disorders. Identifiers: MedGen CN381529.

Submission:

PreventionGenetics, part of Exact Sciences
Classification: Uncertain significance for DYNC1H1-related condition. Last evaluated: 2023-01-09. Review status: criteria provided, single submitter. Criteria: ACMG Guidelines, 2015. Collection method: clinical testing. Allele origin: germline.
Comment: The DYNC1H1 c.2869-1G>A variant is predicted to disrupt the AG splice acceptor site and interfere with normal splicing. To our knowledge, this variant has not been reported in the literature or in a large population database, indicating this variant is rare. Although we suspect that this variant may be pathogenic, at this time, the clinical significance of this variant is uncertain due to the absence of conclusive functional and genetic evidence.